The following is an entry in ClinVar:

ClinVar aggregate classification (germline): Benign/Likely benign. Review status: criteria provided, multiple submitters, no conflicts (2 of 4 stars). 3 submissions from 3 submitters: Benign (1); Likely benign (2). Last evaluated 2026-01-06.

Conditions:
Inborn genetic diseases. Identifiers: MedGen C0950123, MeSH D030342.

Allele frequency attached by ClinVar (database versions not stated): gnomAD 0.00019; gnomAD exomes 0.00020 and 0.00046; TOPMed 0.00022; ESP Exome Variant Server 0.00031; ExAC 0.00051.
gnomAD v4.1: 337 of 1,589,494 alleles (0.021%); highest among the groups gnomAD compares: Non-Finnish European, 0.0033%; 2 homozygotes.

Submissions (3):

Labcorp Genetics (formerly Invitae), Labcorp
Classification: Benign. Last evaluated: 2026-01-06. Review status: criteria provided, single submitter. Criteria: Invitae Variant Classification Sherloc (09022015). Collection method: clinical testing. Allele origin: germline.

Mayo Clinic Laboratories, Mayo Clinic
Classification: Likely benign. Last evaluated: 2025-08-06. Review status: criteria provided, single submitter. Criteria: ACMG Guidelines, 2015. Collection method: clinical testing. Allele origin: germline. Observed: 1 variant allele.
Comment: BA1

Ambry Genetics
Classification: Likely benign for Inborn genetic diseases. Last evaluated: 2022-09-05. Review status: criteria provided, single submitter. Criteria: Ambry Variant Classification Scheme 2023. Collection method: clinical testing. Allele origin: germline.

NM_153816.6(SNX14):c.1190A>G (p.Tyr397Cys)

Gene: SNX14 (sorting nexin 14; minus strand). Cytogenetic location: 6q14.3.
Variant type: single nucleotide variant.
Coding change: c.1190A>G on transcript NM_153816.6 (MANE Select); coding-DNA position 1190, A replaced by G.
Protein change: p.Tyr397Cys; replaces tyrosine 397 with cysteine.
Molecular consequence: missense variant. On other transcripts: non-coding transcript variant (6).
Genome position (GRCh38, 1-based): chr6:85,543,679, T>C on the plus strand (A>G on the coding strand, the complement: SNX14 is on the minus strand). VCF-style: chr6-85543679-T-C. GRCh37 (hg19) VCF-style: chr6-86253397-T-C.
Other names: p.Tyr397Cys; c.1190A>G, p.Tyr397Cys (NM_001297614.3, NM_001350540.2, NM_001350541.2); c.1034A>G, p.Tyr345Cys (NM_001304479.2); c.1253A>G, p.Tyr418Cys (NM_001350532.2); c.1187A>G, p.Tyr396Cys (NM_001350533.2, NM_001350534.2, NM_001350535.2); c.1058A>G, p.Tyr353Cys (NM_001350536.2, NM_020468.6); c.1055A>G, p.Tyr352Cys (NM_001350537.2); c.1046A>G, p.Tyr349Cys (NM_001350538.2); and 8 more; short protein forms Y297C, Y300C, Y396C, Y397C, Y47C, Y12C, Y249C, Y301C.
Identifiers: ClinVar variation 781886 (VCV000781886.10), dbSNP rs142875261, ClinGen allele CA3912187.
Genomic context (GRCh38, chr6:85,543,679, plus strand): 5'-TCTACAATGAAGGGATCAAATCTAATTTTGTCAATACTTTCATCCAAACAGTATGTTTTA[T>C]AAATCTTCTGCAATTCTTCATGAAGAGACAGCATTTCATCATTTGATAATTCTGGTCGTA-3'
Protein context (NP_722523.1, residues 387-407): LSLHEELQKI[Tyr397Cys]KTYCLDESID